The following is an entry in ClinVar:

NM_001040108.2(MLH3):c.2162G>A (p.Arg721Lys)

Gene: MLH3 (mutL homolog 3; minus strand). Cytogenetic location: 14q24.3.
Variant type: single nucleotide variant.
Coding change: c.2162G>A on transcript NM_001040108.2 (MANE Select); coding-DNA position 2162, G replaced by A.
Protein change: p.Arg721Lys; replaces arginine 721 with lysine.
Molecular consequence: missense variant.
Genome position (GRCh38, 1-based): chr14:75,047,494, C>T on the plus strand (G>A on the coding strand, the complement: MLH3 is on the minus strand). VCF-style: chr14-75047494-C-T. GRCh37 (hg19) VCF-style: chr14-75514197-C-T.
Other names: c.2162G>A, p.Arg721Lys (NM_014381.3); c.2162G>A (NM_001040108.1); short protein forms R721K.
Identifiers: ClinVar variation 1375864 (VCV001375864.7), dbSNP rs2139568252, ClinGen allele CA390441384.

ClinVar aggregate classification (germline): Uncertain significance. Review status: criteria provided, multiple submitters, no conflicts (2 of 4 stars). 2 submissions from 2 submitters: Uncertain significance (2). Last evaluated 2026-01-10.

Conditions:
Colorectal cancer, hereditary nonpolyposis, type 7. Identifiers: Orphanet 144, MedGen C1858380, MONDO:0013725, OMIM 614385.

Allele frequency attached by ClinVar (database versions not stated): gnomAD exomes below 0.00001.
gnomAD v4.1: 4 of 1,614,132 alleles (0.00025%); highest among the groups gnomAD compares: African/African-American, 0.0027%; no homozygotes.

Submissions (2):

Labcorp Genetics (formerly Invitae), Labcorp
Classification: Uncertain significance for Colorectal cancer, hereditary nonpolyposis, type 7. Last evaluated: 2026-01-10. Review status: criteria provided, single submitter. Criteria: Invitae Variant Classification Sherloc (09022015). Collection method: clinical testing. Allele origin: germline.
Comment: This sequence change replaces arginine, which is basic and polar, with lysine, which is basic and polar, at codon 721 of the MLH3 protein (p.Arg721Lys). This variant is not present in population databases (gnomAD no frequency). This variant has not been reported in the literature in individuals affected with MLH3-related conditions. ClinVar contains an entry for this variant (Variation ID: 1375864). An algorithm developed to predict the effect of missense changes on protein structure and function outputs the following: PolyPhen-2: "Benign". The lysine amino acid residue is found in multiple mammalian species, which suggests that this missense change does not adversely affect protein function. In summary, the available evidence is currently insufficient to determine the role of this variant in disease. Therefore, it has been classified as a Variant of Uncertain Significance.

Ambry Genetics
Classification: Uncertain significance. Last evaluated: 2024-04-27. Review status: criteria provided, single submitter. Criteria: Ambry Variant Classification Scheme 2023. Collection method: clinical testing. Allele origin: germline.
Comment: The p.R721K variant (also known as c.2162G>A), located in coding exon 1 of the MLH3 gene, results from a G to A substitution at nucleotide position 2162. The arginine at codon 721 is replaced by lysine, an amino acid with highly similar properties. This amino acid position is conserved. In addition, this alteration is predicted to be tolerated by in silico analysis. Based on the available evidence, the clinical significance of this variant remains unclear.